The following is an entry in ClinVar:

ClinVar aggregate classification (germline): Uncertain significance. Review status: criteria provided, multiple submitters, no conflicts (2 of 4 stars). 3 submissions from 3 submitters: Uncertain significance (3). Last evaluated 2026-06-08.

Conditions:
PLEC-related disorder. Also called: PLEC-related condition; PLEC-related disorders.
Epidermolysis bullosa simplex, Ogna type (EBS5A). Also called: Pidermolysis bullosa simplex 5A, Ogna type; EPIDERMOLYSIS BULLOSA SIMPLEX 5A, OGNA TYPE. Identifiers: Orphanet 79401, MedGen C0432317, MONDO:0007555, OMIM 131950.
Autosomal recessive limb-girdle muscular dystrophy type 2Q (LGMDR17). Also called: MUSCULAR DYSTROPHY, LIMB-GIRDLE, AUTOSOMAL RECESSIVE 17. Identifiers: Orphanet 254361, MedGen C3150989, MONDO:0013390, OMIM 613723.
Epidermolysis bullosa simplex with nail dystrophy (EBS5D). Identifiers: MedGen C4225309, MONDO:0014661, OMIM 616487.
Epidermolysis bullosa simplex 5C, with pyloric atresia (EBS5C). Also called: PLEC-Related Epidermolysis Bullosa with Pyloric Atresia; Epidermolysis bullosa simplex with pyloric atresia; PLEC1-Related Epidermolysis Bullosa with Pyloric Atresia. Identifiers: Orphanet 158684, MedGen C2677349, MONDO:0012807, OMIM 612138.
Epidermolysis bullosa simplex 5B, with muscular dystrophy (EBS5B). Also called: Epidermolysis bullosa simplex with muscular dystrophy; EPIDERMOLYSIS BULLOSA SIMPLEX AND LIMB-GIRDLE MUSCULAR DYSTROPHY. Identifiers: Orphanet 257, MedGen C2931072, MONDO:0009181, OMIM 226670.

gnomAD v4.1: 6 of 1,612,550 alleles (0.00037%); highest among the groups gnomAD compares: Non-Finnish European, 0.00051%; no homozygotes.

Submissions (3):

PreventionGenetics, part of Exact Sciences
Classification: Uncertain significance for PLEC-related condition. Last evaluated: 2026-06-08. Review status: criteria provided, single submitter. Criteria: ACMG Guidelines, 2015. Collection method: clinical testing. Allele origin: germline.
Comment: The PLEC c.9751C>T variant is predicted to result in the amino acid substitution p.Leu3251Phe. To our knowledge, this variant has not been reported in the literature or in a large population database (gnomAD), indicating this variant is rare. At this time, the clinical significance of this variant is uncertain due to the absence of conclusive functional and genetic evidence.

Blueprint Genetics
Classification: Uncertain significance. Last evaluated: 2024-11-11. Review status: criteria provided, single submitter. Criteria: ACMG Guidelines, 2015. Collection method: clinical testing. Allele origin: germline.

Labcorp Genetics (formerly Invitae), Labcorp
Classification: Uncertain significance for Autosomal recessive limb-girdle muscular dystrophy type 2Q; Epidermolysis bullosa simplex, Ogna type; Epidermolysis bullosa simplex with nail dystrophy; Epidermolysis bullosa simplex 5C, with pyloric atresia; Epidermolysis bullosa simplex 5B, with muscular dystrophy. Last evaluated: 2024-05-01. Review status: criteria provided, single submitter. Criteria: Invitae Variant Classification Sherloc (09022015). Collection method: clinical testing. Allele origin: germline.
Comment: This sequence change replaces leucine, which is neutral and non-polar, with phenylalanine, which is neutral and non-polar, at codon 3251 of the PLEC protein (p.Leu3251Phe). This variant is not present in population databases (gnomAD no frequency). This variant has not been reported in the literature in individuals affected with PLEC-related conditions. An algorithm developed to predict the effect of missense changes on protein structure and function (PolyPhen-2) suggests that this variant is likely to be tolerated. In summary, the available evidence is currently insufficient to determine the role of this variant in disease. Therefore, it has been classified as a Variant of Uncertain Significance.

NM_201384.3(PLEC):c.9670C>T (p.Leu3224Phe)

Gene: PLEC (plectin; minus strand). Cytogenetic location: 8q24.3.
Variant type: single nucleotide variant.
Coding change: c.9670C>T on transcript NM_201384.3 (MANE Select); coding-DNA position 9670, C replaced by T.
Protein change: p.Leu3224Phe; replaces leucine 3224 with phenylalanine.
Molecular consequence: missense variant.
Genome position (GRCh38, 1-based): chr8:143,920,151, G>A on the plus strand (C>T on the coding strand, the complement: PLEC is on the minus strand). VCF-style: chr8-143920151-G-A. GRCh37 (hg19) VCF-style: chr8-144994319-G-A.
Other names: c.9751C>T (NM_000445.4); c.9751C>T, p.Leu3251Phe (NM_000445.5); c.6370C>T, p.Leu2124Phe (NM_001410941.1); c.9628C>T, p.Leu3210Phe (NM_201378.4); c.9604C>T, p.Leu3202Phe (NM_201379.3); c.10081C>T, p.Leu3361Phe (NM_201380.4); c.9574C>T, p.Leu3192Phe (NM_201381.3); c.9670C>T, p.Leu3224Phe (NM_201382.4); and 1 more; short protein forms L2124F, L3202F, L3228F, L3192F, L3210F, L3224F, L3251F, L3361F.
Identifiers: ClinVar variation 2928104 (VCV002928104.5), dbSNP rs2857804, ClinGen allele CA187609851.